The following is an entry in ClinVar:

ClinVar aggregate classification (germline): Likely pathogenic. Review status: criteria provided, single submitter (1 of 4 stars). 2 submissions from 2 submitters: Likely pathogenic (1). 1 of the submissions does not count toward it. Last evaluated 2023-11-25.

Conditions:
Retinitis pigmentosa 39 (RP39). Identifiers: Orphanet 791, MedGen C3151138, MONDO:0013436, OMIM 613809.
Usher syndrome type 2A. Also called: RETINAL DISEASE IN USHER SYNDROME TYPE IIA, MODIFIER OF; USHER SYNDROME, TYPE IIA. Identifiers: Orphanet 231178, Orphanet 886, MedGen C1848634, MONDO:0010169, OMIM 276901.

Submissions (2):

Labcorp Genetics (formerly Invitae), Labcorp
Classification: Likely pathogenic. Last evaluated: 2023-11-25. Review status: criteria provided, single submitter. Criteria: Invitae Variant Classification Sherloc (09022015). Collection method: clinical testing. Allele origin: germline.
Comment: This variant results in the deletion of part of exon 33 (c.6326-3_6332del) of the USH2A gene. It is expected to disrupt RNA splicing. Variants that disrupt the donor or acceptor splice site typically lead to a loss of protein function (PMID: 16199547), and loss-of-function variants in USH2A are known to be pathogenic (PMID: 10729113, 10909849, 20507924, 25649381). This variant is not present in population databases (gnomAD no frequency). This variant has not been reported in the literature in individuals affected with USH2A-related conditions. ClinVar contains an entry for this variant (Variation ID: 555035). In summary, the currently available evidence indicates that the variant is pathogenic, but additional data are needed to prove that conclusively. Therefore, this variant has been classified as Likely Pathogenic.

Counsyl
Classification: Likely pathogenic for Usher syndrome type 2A; Retinitis pigmentosa 39. Last evaluated: 2017-11-12. Review status: no assertion criteria provided. Collection method: clinical testing. Allele origin: unknown. Not counted in ClinVar's aggregate classification.

Literature cited by the submitters: PubMed 16199547 (cited by Labcorp Genetics (formerly Invitae), Labcorp); PubMed 10729113 (cited by Labcorp Genetics (formerly Invitae), Labcorp); PubMed 10909849 (cited by Labcorp Genetics (formerly Invitae), Labcorp); PubMed 20507924 (cited by Labcorp Genetics (formerly Invitae), Labcorp); PubMed 25649381 (cited by Labcorp Genetics (formerly Invitae), Labcorp).

NM_206933.4(USH2A):c.6326-3_6332del

Gene: USH2A (usherin; minus strand). Cytogenetic location: 1q41.
Variant type: Deletion.
Coding change: c.6326-3_6332del on transcript NM_206933.4 (MANE Select); 3 bases into the intron before coding-DNA position 6326 through coding-DNA position 6332, 10 bases deleted (TAGATTTAGC; older notation c.6326-3_6332delTAGATTTAGC).
Molecular consequence: splice acceptor variant.
Genome position (GRCh38, 1-based): chr1:216,000,556-216,000,565, GCTAAATCTA deleted on the plus strand (TAGATTTAGC on the coding strand, the reverse complement: USH2A is on the minus strand); deleting any 10 consecutive bases within chr1:216,000,556-216,000,566 gives the same sequence; the c. name uses the placement nearest the transcript's 3' end. VCF-style (leftmost placement, unchanged base first): chr1-216000555-TGCTAAATCTA-T. GRCh37 (hg19) VCF-style: chr1-216173897-TGCTAAATCTA-T.
Other names: c.6326-3_6332del10 (NM_206933.2).
Identifiers: ClinVar variation 555035 (VCV000555035.5), dbSNP rs1553287116, ClinGen allele CA658821169.
Genomic context (GRCh38, chr1:216,000,555, plus strand): 5'-ACTGTTTGTACAGCCCACATGTGTGCATGCACTTAGTAGAAACTGGTGGGGTGTAAATAC[TGCTAAATCTA>T]GGGGATAGGGAGAAACAAGAATTTACTCAGCATTATACTTCTTATTGAGGAGATTTCACT-3'